The following is an entry in ClinVar:

NC_000006.11:g.(?_129601186)_(129674522_?)del

Gene: LAMA2 (laminin subunit alpha 2; plus strand). Cytogenetic location: 6q22.33.
Variant type: Deletion.
Identifiers: ClinVar variation 2423058 (VCV002423058.4).

ClinVar aggregate classification (germline): Pathogenic (1 of 4 stars; one submission).

Conditions:
LAMA2-related muscular dystrophy (LAMA2-RD). Also called: Laminin alpha 2-related dystrophy. Identifiers: MedGen C5679788, MONDO:0100228.

Submission:

Labcorp Genetics (formerly Invitae), Labcorp
Classification: Pathogenic for LAMA2-related muscular dystrophy. Last evaluated: 2022-07-04. Review status: criteria provided, single submitter. Criteria: Invitae Variant Classification Sherloc (09022015). Collection method: clinical testing. Allele origin: germline.
Comment: This variant is a gross deletion of the genomic region encompassing exon(s) 18-32 of the LAMA2 gene. This deletion is out-of-frame, and is expected to create a premature termination codon and result in an absent or disrupted protein product. Loss-of-function variants in LAMA2 are known to be pathogenic (PMID: 18700894, 32904964). This variant has not been reported in the literature in individuals affected with LAMA2-related conditions. For these reasons, this variant has been classified as Pathogenic.

Literature cited by the submitters: PubMed 18700894; PubMed 32904964.